The following is an entry in ClinVar:

NM_058216.3(RAD51C):c.52C>T (p.Pro18Ser)

Gene: RAD51C (RAD51 paralog C; plus strand). Cytogenetic location: 17q22.
Variant type: single nucleotide variant.
Coding change: c.52C>T on transcript NM_058216.3 (MANE Select); coding-DNA position 52, C replaced by T.
Protein change: p.Pro18Ser; replaces proline 18 with serine.
Molecular consequence: missense variant. On other transcripts: non-coding transcript variant (1).
Genome position (GRCh38, 1-based): chr17:58,692,695, C>T. VCF-style: chr17-58692695-C-T. GRCh37 (hg19) VCF-style: chr17-56770056-C-T.
Other names: c.52C>T, p.Pro18Ser (NM_002876.4); short protein forms P18S.
Identifiers: ClinVar variation 232581 (VCV000232581.27), dbSNP rs547142453, ClinGen allele CA8677131.

ClinVar aggregate classification (germline): Conflicting classifications of pathogenicity. Review status: criteria provided, conflicting classifications (1 of 4 stars). 9 submissions from 9 submitters: Uncertain significance (7); Likely benign (2). Last evaluated 2025-11-04.

Conditions:
RAD51C-related disorder. Also called: RAD51C-related condition; RAD51C-related disorders.
Childhood neoplasm. Identifiers: MedGen C1368871, MONDO:0021079.
Hereditary cancer-predisposing syndrome. Also called: Neoplastic Syndromes, Hereditary; Tumor predisposition; Hereditary Cancer Syndrome; Hereditary neoplastic syndrome. Identifiers: Orphanet 140162, MedGen C0027672, MeSH D009386, MONDO:0015356.
Breast-ovarian cancer, familial, susceptibility to, 3. Also called: RAD51C-Related Breast/Ovarian Cancer. Identifiers: Orphanet 145, MedGen C3150659, MONDO:0013253, OMIM 613399.
Fanconi anemia complementation group O. Also called: RAD51C-Related Fanconi Anemia. Identifiers: Orphanet 84, MedGen C3150653, MONDO:0013248, OMIM 613390.

Allele frequency attached by ClinVar (database versions not stated): gnomAD 0.00001; gnomAD exomes 0.00003 and 0.00004; ExAC 0.00006; 1000 Genomes Project 0.00020; 1000 Genomes Project 30x 0.00031.
gnomAD v4.1: 45 of 1,614,220 alleles (0.0028%); highest among the groups gnomAD compares: South Asian, 0.047%; 1 homozygote.

Submissions (9):

Women's Health and Genetics/Laboratory Corporation of America, LabCorp
Classification: Likely benign. Last evaluated: 2025-11-04. Review status: criteria provided, single submitter. Criteria: LabCorp Variant Classification Summary - May 2015. Collection method: clinical testing. Allele origin: germline.
Comment: Variant summary: RAD51C c.52C>T (p.Pro18Ser) results in a non-conservative amino acid change in the encoded protein sequence. Algorithms developed to predict the effect of missense changes on protein structure and function are either unavailable or do not agree on the potential impact of this missense change. The variant allele was found at a frequency of 2.8e-05 in 1614220 control chromosomes, predominantly at a frequency of 0.00047 within the South Asian subpopulation in the gnomAD database, including 1 homozygote. The observed variant frequency within South Asian control individuals in the gnomAD database exceeds the estimated maximal expected allele frequency for disease-causing variants in RAD51C. c.52C>T has been observed in individuals of South Asian ancestry affected with Breast and/or Ovarian Cancer, without strong evidence of causality (e.g. Singh_2018, Pramanik_2024). These reports do not provide unequivocal conclusions about association of the variant with Hereditary Breast And Ovarian Cancer Syndrome. At least one publication reports experimental evidence evaluating an impact on protein function. These results showed no damaging effect of this variant on homology-directed repair compared to the wildtype protein (Hu_2023). The following publications have been ascertained in the context of this evaluation (PMID: 37253112, 38439815, 29470806). ClinVar contains an entry for this variant (Variation ID: 232581). Based on the evidence outlined above, the variant was classified as likely benign.

Labcorp Genetics (formerly Invitae), Labcorp
Classification: Uncertain significance for Fanconi anemia complementation group O. Last evaluated: 2025-09-24. Review status: criteria provided, single submitter. Criteria: Invitae Variant Classification Sherloc (09022015). Collection method: clinical testing. Allele origin: germline.
Comment: This sequence change replaces proline, which is neutral and non-polar, with serine, which is neutral and polar, at codon 18 of the RAD51C protein (p.Pro18Ser). This variant is present in population databases (rs547142453, gnomAD 0.03%). This missense change has been observed in individual(s) with a personal and/or family history of breast and/or ovarian cancer (PMID: 29470806). ClinVar contains an entry for this variant (Variation ID: 232581). Invitae Evidence Modeling of protein sequence and biophysical properties (such as structural, functional, and spatial information, amino acid conservation, physicochemical variation, residue mobility, and thermodynamic stability) indicates that this missense variant is not expected to disrupt RAD51C protein function with a negative predictive value of 80%. Experimental studies have shown that this missense change does not substantially affect RAD51C function (PMID: 37253112). In summary, the available evidence is currently insufficient to determine the role of this variant in disease. Therefore, it has been classified as a Variant of Uncertain Significance.

PreventionGenetics, part of Exact Sciences
Classification: Uncertain significance for RAD51C-related condition. Last evaluated: 2025-05-13. Review status: criteria provided, single submitter. Criteria: ACMG Guidelines, 2015. Collection method: clinical testing. Allele origin: germline.
Comment: The RAD51C c.52C>T variant is predicted to result in the amino acid substitution p.Pro18Ser. This variant was reported in individuals with breast and/or ovarian cancer (Singh et al. 2018. PubMed ID: 29470806; Hu et al. 2023. PubMed ID: 37253112). This variant is reported in 0.029% of alleles in individuals of South Asian descent in gnomAD. Functional studies indicate that this variant does not disrupt protein function (Hu et al. 2023. PubMed ID: 37253112). This variant is classified as uncertain in ClinVar. At this time, the clinical significance of this variant is uncertain due to the absence of conclusive functional and genetic evidence.

Ambry Genetics
Classification: Likely benign for Hereditary cancer-predisposing syndrome. Last evaluated: 2025-04-21. Review status: criteria provided, single submitter. Criteria: Ambry Variant Classification Scheme 2023. Collection method: clinical testing. Allele origin: germline.

KCCC/NGS Laboratory, Kuwait Cancer Control Center
Classification: Uncertain significance for Breast-ovarian cancer, familial, susceptibility to, 3. Last evaluated: 2024-06-20. Review status: criteria provided, single submitter. Criteria: ACMG Guidelines, 2015. Collection method: clinical testing. Allele origin: germline. Inheritance: Autosomal dominant inheritance. Affected: yes. Observed: 1 heterozygote.
Comment: This sequence change replaces proline, which is neutral and non-polar, with serine, which is neutral and polar, at codon 18 of the RAD51C protein (p.Pro18Ser). TThis amino acid position is well conserved (PhyloP=3.38). This variant is present in population databases (rs547142453, gnomAD 0.03%). This missense change has been observed in individual(s) with a personal and/or family history of breast and/or ovarian cancer (PMID: 29470806). ClinVar contains an entry for this variant (Variation ID: 232581). In addition, this alteration is predicted to be tolerated by in silico analysis. In summary, the available evidence is currently insufficient to determine the role of this variant in disease. Therefore, it has been classified as a Variant of Uncertain Significance. Heterozygous pathogenic/likely pathogenic variants in the RAD51C gene are associated with hereditary breast/ovarian cancer (OMIM# 613399).

Baylor Genetics
Classification: Uncertain significance for Breast-ovarian cancer, familial, susceptibility to, 3. Last evaluated: 2024-03-12. Review status: criteria provided, single submitter. Criteria: ACMG Guidelines, 2015. Collection method: clinical testing. Allele origin: unknown.

Color Diagnostics, LLC DBA Color Health
Classification: Uncertain significance for Hereditary cancer-predisposing syndrome. Last evaluated: 2023-11-07. Review status: criteria provided, single submitter. Criteria: ACMG Guidelines, 2015. Collection method: clinical testing. Allele origin: germline.
Comment: This missense variant replaces proline with serine at codon 18 of the RAD51C protein. Computational prediction suggests that this variant may not impact protein structure and function. To our knowledge, functional studies have not been reported for this variant. This variant has been reported in two individuals affected with breast and/or ovarian cancer (PMID: 29470806). This variant has been identified in 10/251454 chromosomes in the general population by the Genome Aggregation Database (gnomAD). The available evidence is insufficient to determine the role of this variant in disease conclusively. Therefore, this variant is classified as a Variant of Uncertain Significance.

Cambridge Genomics Laboratory, East Genomic Laboratory Hub, NHS Genomic Medicine Service
Classification: Uncertain significance for Childhood neoplasm. Last evaluated: 2019-04-17. Review status: criteria provided, single submitter. Criteria: ACGS Best Practice Guidelines for Variant Classification in Rare Disease 2020. Collection method: clinical testing. Allele origin: germline. Affected: yes. Observed: 1 variant allele.

GeneDx
Classification: Uncertain significance. Last evaluated: 2018-02-05. Review status: criteria provided, single submitter. Criteria: GeneDx Variant Classification (06012015). Collection method: clinical testing. Allele origin: germline. Affected: yes.
Comment: This variant is denoted RAD51C c.52C>T at the cDNA level, p.Pro18Ser (P18S) at the protein level, and results in the change of a Proline to a Serine (CCG>TCG). This variant has not, to our knowledge, been published in the literature as pathogenic or benign. RAD51C Pro18Ser was not observed at a significant allele frequency in large population cohorts (Lek 2016). RAD51C Pro18Ser is located in the region required for holiday junction resolution activity (UniProt). In-silico analysis, which includes protein predictors and evolutionary conservation, supports a deleterious effect. Based on currently available evidence, it is unclear whether RAD51C Pro18Ser is a pathogenic or benign variant. We consider it to be a variant of uncertain significance.

Literature cited by the submitters: PubMed 29470806 (cited by 4 submitters); PubMed 37253112 (cited by 3 submitters); PubMed 38439815 (cited by Women's Health and Genetics/Laboratory Corporation of America, LabCorp).